The following is an entry in ClinVar:

ClinVar aggregate classification (germline): Uncertain significance (1 of 4 stars; one submission).

Submission:

GeneDx
Classification: Uncertain significance. Last evaluated: 2022-01-12. Review status: criteria provided, single submitter. Criteria: GeneDx Variant Classification Process June 2021. Collection method: clinical testing. Allele origin: germline. Affected: yes.
Comment: Not observed in large population cohorts (gnomAD); In silico analysis supports that this missense variant has a deleterious effect on protein structure/function; Has not been previously published as pathogenic or benign to our knowledge; This variant is associated with the following publications: (PMID: 10636916)

NM_005359.6(SMAD4):c.878C>G (p.Pro293Arg)

Gene: SMAD4 (SMAD family member 4; plus strand). Cytogenetic location: 18q21.2.
Variant type: single nucleotide variant.
Coding change: c.878C>G on transcript NM_005359.6 (MANE Select); coding-DNA position 878, C replaced by G.
Protein change: p.Pro293Arg; replaces proline 293 with arginine.
Molecular consequence: missense variant.
Genome position (GRCh38, 1-based): chr18:51,058,430, C>G. VCF-style: chr18-51058430-C-G. GRCh37 (hg19) VCF-style: chr18-48584800-C-G.
Other names: short protein forms P293R.
Identifiers: ClinVar variation 1697187 (VCV001697187.2), dbSNP rs2144429246, ClinGen allele CA402463568.
Genomic context (GRCh38, chr18:51,058,430, plus strand): 5'-CTGCACCATACACACCTAATTTGCCTCACCACCAAAACGGCCATCTTCAGCACCACCCGC[C>G]TATGCCGCCCCATCCCGGACATTACTGTAAGCTCTTGTTTTTGTTGTAAGGGCTATTTTT-3'
Protein context (NP_005350.1, residues 283-303): HQNGHLQHHP[Pro293Arg]MPPHPGHYWP